The following is an entry in ClinVar:

NM_001614.5(ACTG1):c.541G>T (p.Ala181Ser)

Gene: ACTG1 (actin gamma 1; minus strand). Cytogenetic location: 17q25.3.
Variant type: single nucleotide variant.
Coding change: c.541G>T on transcript NM_001614.5 (MANE Select); coding-DNA position 541, G replaced by T.
Protein change: p.Ala181Ser; replaces alanine 181 with serine.
Molecular consequence: missense variant. On other transcripts: non-coding transcript variant (1).
Genome position (GRCh38, 1-based): chr17:81,511,449, C>A on the plus strand (G>T on the coding strand, the complement: ACTG1 is on the minus strand). VCF-style: chr17-81511449-C-A. GRCh37 (hg19) VCF-style: chr17-79478475-C-A.
Other names: c.541G>T, p.Ala181Ser (NM_001199954.3); short protein forms A181S.
Identifiers: ClinVar variation 3369696 (VCV003369696.1).

ClinVar aggregate classification (germline): Uncertain significance (1 of 4 stars; one submission).

Submission:

GeneDx
Classification: Uncertain significance. Last evaluated: 2024-02-27. Review status: criteria provided, single submitter. Criteria: GeneDx Variant Classification Process June 2021. Collection method: clinical testing. Allele origin: germline. Affected: yes.
Comment: Not observed at significant frequency in large population cohorts (gnomAD); Missense variants in this gene are a common cause of disease and they are underrepresented in the general population; In silico analysis supports that this missense variant does not alter protein structure/function; Has not been previously published as pathogenic or benign to our knowledge